The following is an entry in ClinVar:

NM_015046.7(SETX):c.1844C>T (p.Ser615Phe)

Gene: SETX (senataxin; minus strand). Cytogenetic location: 9q34.13.
Variant type: single nucleotide variant.
Coding change: c.1844C>T on transcript NM_015046.7 (MANE Select); coding-DNA position 1844, C replaced by T.
Protein change: p.Ser615Phe; replaces serine 615 with phenylalanine.
Molecular consequence: missense variant.
Genome position (GRCh38, 1-based): chr9:132,329,754, G>A on the plus strand (C>T on the coding strand, the complement: SETX is on the minus strand). VCF-style: chr9-132329754-G-A. GRCh37 (hg19) VCF-style: chr9-135205141-G-A.
Other names: c.1844C>T, p.Ser615Phe (NM_001351527.2, NM_001351528.2); short protein forms S615F.
Identifiers: ClinVar variation 1348210 (VCV001348210.8), dbSNP rs143340285, ClinGen allele CA375338343.

ClinVar aggregate classification (germline): Uncertain significance (1 of 4 stars; one submission).

Conditions:
Spinocerebellar ataxia, autosomal recessive, with axonal neuropathy 2 (SCAN2). Also called: Ataxia-ocular apraxia-2; Ataxia with Oculomotor Apraxia; Ataxia with Oculomotor Apraxia Type 2; ATAXIA-OCULOMOTOR APRAXIA 2. Identifiers: Orphanet 64753, MedGen C1853761, MONDO:0018996, OMIM 606002.
Amyotrophic lateral sclerosis type 4 (ALS4). Also called: AMYOTROPHIC LATERAL SCLEROSIS 4, JUVENILE; NEURONOPATHY, DISTAL HEREDITARY MOTOR, WITH PYRAMIDAL FEATURES. Identifiers: Orphanet 357043, MedGen C1865409, MONDO:0011223, OMIM 602433.

Submission:

Labcorp Genetics (formerly Invitae), Labcorp
Classification: Uncertain significance for Amyotrophic lateral sclerosis type 4; Spinocerebellar ataxia, autosomal recessive, with axonal neuropathy 2. Last evaluated: 2021-04-23. Review status: criteria provided, single submitter. Criteria: Invitae Variant Classification Sherloc (09022015). Collection method: clinical testing. Allele origin: germline.
Comment: This sequence change replaces serine with phenylalanine at codon 615 of the SETX protein (p.Ser615Phe). The serine residue is weakly conserved and there is a large physicochemical difference between serine and phenylalanine. This variant is not present in population databases (ExAC no frequency). This variant has not been reported in the literature in individuals with SETX-related conditions. Advanced modeling of protein sequence and biophysical properties (such as structural, functional, and spatial information, amino acid conservation, physicochemical variation, residue mobility, and thermodynamic stability) performed at Invitae indicates that this missense variant is not expected to disrupt SETX protein function. In summary, the available evidence is currently insufficient to determine the role of this variant in disease. Therefore, it has been classified as a Variant of Uncertain Significance.